The following is an entry in ClinVar:

ClinVar aggregate classification (germline): Pathogenic (1 of 4 stars; one submission).

Conditions:
Combined immunodeficiency due to ZAP70 deficiency (IMD48). Also called: ZAP70 Deficiency; Immunodeficiency 48. Identifiers: Orphanet 911, MedGen C2931299, MONDO:0010023, OMIM 269840.

Allele frequency attached by ClinVar (database versions not stated): TOPMed below 0.00001; ExAC 0.00001; gnomAD exomes below 0.00001.

Submission:

Labcorp Genetics (formerly Invitae), Labcorp
Classification: Pathogenic for Combined immunodeficiency due to ZAP70 deficiency. Last evaluated: 2022-09-13. Review status: criteria provided, single submitter. Criteria: Invitae Variant Classification Sherloc (09022015). Collection method: clinical testing. Allele origin: germline.
Comment: This sequence change creates a premature translational stop signal (p.Arg283*) in the ZAP70 gene. It is expected to result in an absent or disrupted protein product. Loss-of-function variants in ZAP70 are known to be pathogenic (PMID: 8202712). This variant is present in population databases (rs754420169, gnomAD 0.0009%). This premature translational stop signal has been observed in individual(s) with severe combined immunodeficiency (PMID: 28124082, 30778343). ClinVar contains an entry for this variant (Variation ID: 1455724). For these reasons, this variant has been classified as Pathogenic.

Literature cited by the submitters: PubMed 8202712; PubMed 28124082; PubMed 30778343.

NM_001079.4(ZAP70):c.847C>T (p.Arg283Ter)

Gene: ZAP70 (zeta chain of T cell receptor associated protein kinase 70; plus strand). Cytogenetic location: 2q11.2.
Variant type: single nucleotide variant.
Coding change: c.847C>T on transcript NM_001079.4 (MANE Select); coding-DNA position 847, C replaced by T.
Protein change: p.Arg283Ter; replaces arginine 283 with a stop codon.
Molecular consequence: nonsense. On other transcripts: 5 prime UTR variant (1).
Genome position (GRCh38, 1-based): chr2:97,733,553, C>T. VCF-style: chr2-97733553-C-T. GRCh37 (hg19) VCF-style: chr2-98350016-C-T.
Other names: c.847C>T, p.Arg283Ter (NM_001378594.1); c.-999C>T (NM_207519.2); short protein forms R283*.
Identifiers: ClinVar variation 1455724 (VCV001455724.6), dbSNP rs754420169, ClinGen allele CA1790280.